The following is an entry in ClinVar:

ClinVar aggregate classification (germline): Likely pathogenic (1 of 4 stars; one submission).

Conditions:
Nemaline myopathy 2 (NEM2). Also called: Nemaline myopathy 2, autosomal recessive. Identifiers: MedGen C1850569, MONDO:0009725, OMIM 256030.

Submission:

Myriad Genetics, Inc.
Classification: Likely pathogenic for Nemaline myopathy 2. Last evaluated: 2022-03-31. Review status: criteria provided, single submitter. Criteria: Myriad Women's Health Autosomal Recessive and X-Linked Classification Criteria (2021). Collection method: clinical testing. Allele origin: unknown.
Comment: NM_001271208.1(NEB):c.6013_6015delCACinsT(H2005Yfs*4) is expected to be pathogenic in the context of NEB-related nemaline myopathy. This variant is predicted to lead to an abnormal or absent protein product due to the creation of a premature termination codon in NEB, a gene where loss-of-function variants are known to be pathogenic. Please note: this variant was assessed in the context of healthy population screening.

NM_001164508.2(NEB):c.6013_6015delinsT (p.His2005fs)

Gene: NEB (nebulin; minus strand). Cytogenetic location: 2q23.3.
Variant type: Indel.
Coding change: c.6013_6015delinsT on transcript NM_001164508.2 (MANE Select); coding-DNA positions 6013 to 6015, CAC replaced by T.
Protein change: p.His2005fs; shifts the reading frame from histidine 2005.
Molecular consequence: frameshift variant.
Genome position (GRCh38, 1-based): chr2:151,659,125-151,659,127, GTG replaced by A on the plus strand (CAC replaced by T on the coding strand, the reverse complement: NEB is on the minus strand). VCF-style: chr2-151659125-GTG-A. GRCh37 (hg19) VCF-style: chr2-152515639-GTG-A.
Other names: c.6013_6015delinsT, p.His2005fs (NM_001164507.2, NM_001271208.2, NM_004543.5); short protein forms H2005fs.
Identifiers: ClinVar variation 1725726 (VCV001725726.2), dbSNP rs2552254246, ClinGen allele CA2580064039.